The following is an entry in ClinVar:

ClinVar aggregate classification (germline): Pathogenic. Review status: criteria provided, multiple submitters, no conflicts (2 of 4 stars). 2 submissions from 2 submitters: Pathogenic (2). Last evaluated 2025-04-15.

Conditions:
Colorectal cancer, susceptibility to, 12 (CRCS12). Also called: COLORECTAL CANCER, SUSCEPTIBILITY TO, ON CHROMOSOME 12q24. Identifiers: Orphanet 220460, MedGen C3554460, MONDO:0014038, OMIM 615083.

Submissions (2):

Institute of Immunology and Genetics Kaiserslautern
Classification: Pathogenic for Colorectal cancer, susceptibility to, 12. Last evaluated: 2025-04-15. Review status: criteria provided, single submitter. Criteria: ACMG Guidelines, 2015. Collection method: clinical testing. Allele origin: germline. Affected: yes.
Comment: ACMG Criteria: PVS1, PM2, PM5_P, PP5 ; Variant was found in heterozygous state.

Labcorp Genetics (formerly Invitae), Labcorp
Classification: Pathogenic. Last evaluated: 2025-01-15. Review status: criteria provided, single submitter. Criteria: Invitae Variant Classification Sherloc (09022015). Collection method: clinical testing. Allele origin: germline.
Comment: This sequence change affects a donor splice site in intron 41 of the POLE gene. RNA analysis indicates that disruption of this splice site induces altered splicing and may result in an absent or altered protein product. This variant is not present in population databases (gnomAD no frequency). This variant has not been reported in the literature in individuals affected with POLE-related conditions. ClinVar contains an entry for this variant (Variation ID: 2717088). Studies have shown that disruption of this splice site results in activation of a cryptic splice site, and produces a non-functional protein and/or introduces a premature termination codon (internal data). For these reasons, this variant has been classified as Pathogenic.

NM_006231.4(POLE):c.5678+1G>T

Gene: POLE (DNA polymerase epsilon, catalytic subunit; minus strand). Cytogenetic location: 12q24.33.
Variant type: single nucleotide variant.
Coding change: c.5678+1G>T on transcript NM_006231.4 (MANE Select); the canonical splice donor site of the intron after coding-DNA position 5678, G replaced by T.
Molecular consequence: splice donor variant.
Genome position (GRCh38, 1-based): chr12:132,638,013, C>A on the plus strand (G>T on the coding strand, the complement: POLE is on the minus strand). VCF-style: chr12-132638013-C-A. GRCh37 (hg19) VCF-style: chr12-133214599-C-A.
Identifiers: ClinVar variation 2717088 (VCV002717088.4), dbSNP rs138748289, ClinGen allele CA387373875.